The following is an entry in ClinVar:

NM_006440.5(TXNRD2):c.1407C>G (p.Asn469Lys)

Gene: TXNRD2 (thioredoxin reductase 2; minus strand). Cytogenetic location: 22q11.21.
Variant type: single nucleotide variant.
Coding change: c.1407C>G on transcript NM_006440.5 (MANE Select); coding-DNA position 1407, C replaced by G.
Protein change: p.Asn469Lys; replaces asparagine 469 with lysine.
Molecular consequence: missense variant. On other transcripts: non-coding transcript variant (1).
Genome position (GRCh38, 1-based): chr22:19,878,128, G>C on the plus strand (C>G on the coding strand, the complement: TXNRD2 is on the minus strand). VCF-style: chr22-19878128-G-C. GRCh37 (hg19) VCF-style: chr22-19865651-G-C.
Other names: c.1404C>G, p.Asn468Lys (NM_001352300.2); c.1317C>G, p.Asn439Lys (NM_001352301.2); c.1119C>G, p.Asn373Lys (NM_001352302.2); short protein forms N373K, N439K, N468K, N469K.
Identifiers: ClinVar variation 644032 (VCV000644032.7), dbSNP rs200063300, ClinGen allele CA10103669.

ClinVar aggregate classification (germline): Uncertain significance (1 of 4 stars; one submission).

Conditions:
Primary dilated cardiomyopathy (DCM). Also called: Dilated Cardiomyopathy. Identifiers: Orphanet 217604, MedGen C0007193, MeSH D002311, MONDO:0005021, HP:0001644. Inheritance: Various modes of inheritance.

Allele frequency attached by ClinVar (database versions not stated): TOPMed 0.00002; 1000 Genomes Project 30x 0.00016; 1000 Genomes Project 0.00020.
gnomAD v4.1: 25 of 1,613,512 alleles (0.0015%); highest among the groups gnomAD compares: East Asian, 0.0022%; no homozygotes.

Submission:

Labcorp Genetics (formerly Invitae), Labcorp
Classification: Uncertain significance for Primary dilated cardiomyopathy. Last evaluated: 2018-09-18. Review status: criteria provided, single submitter. Criteria: Invitae Variant Classification Sherloc (09022015). Collection method: clinical testing. Allele origin: germline.
Comment: This variant has not been reported in the literature in individuals with TXNRD2-related disease. In summary, the available evidence is currently insufficient to determine the role of this variant in disease. Therefore, it has been classified as a Variant of Uncertain Significance. Algorithms developed to predict the effect of sequence changes on RNA splicing suggest that this variant may create or strengthen a splice site, but this prediction has not been confirmed by published transcriptional studies. Algorithms developed to predict the effect of missense changes on protein structure and function do not agree on the potential impact of this missense change (SIFT: "Tolerated"; PolyPhen-2: "Probably Damaging"; Align-GVGD: "Class C0"). This variant is present in population databases (rs200063300, ExAC 0.01%). This sequence change replaces asparagine with lysine at codon 469 of the TXNRD2 protein (p.Asn469Lys). The asparagine residue is highly conserved and there is a moderate physicochemical difference between asparagine and lysine.